The following is an entry in ClinVar:

NM_020975.6(RET):c.1974C>T (p.His658=)

Gene: RET (ret proto-oncogene; plus strand). Cytogenetic location: 10q11.21.
Variant type: single nucleotide variant.
Coding change: c.1974C>T on transcript NM_020975.6 (MANE Select); coding-DNA position 1974, C replaced by T.
Protein change: p.His658=; no amino-acid change (histidine 658 retained).
Molecular consequence: synonymous variant. On other transcripts: intron variant (4).
Genome position (GRCh38, 1-based): chr10:43,114,574, C>T. VCF-style: chr10-43114574-C-T. GRCh37 (hg19) VCF-style: chr10-43610022-C-T.
Other names: c.1974C>T, p.His658= (NM_000323.2, NM_001406743.1, NM_001406744.1 and 4 more transcripts); c.1212C>T, p.His404= (NM_001355216.2); c.1845C>T, p.His615= (NM_001406761.1, NM_001406762.1, NM_001406764.1); c.1686C>T, p.His562= (NM_001406766.1, NM_001406767.1, NM_001406770.1); c.1578C>T, p.His526= (NM_001406769.1, NM_001406772.1); c.1536C>T, p.His512= (NM_001406771.1, NM_001406773.1); c.1449C>T, p.His483= (NM_001406774.1); c.1248C>T, p.His416= (NM_001406775.1, NM_001406776.1, NM_001406777.1 and 1 more transcripts); and 10 more.
Identifiers: ClinVar variation 1783674 (VCV001783674.4), dbSNP rs779310191, ClinGen allele CA469479772.
Genomic context (GRCh38, chr10:43,114,574, plus strand): 5'-CGCAGCCGCTGTCCTCTTCTCCTTCATCGTCTCGGTGCTGCTGTCTGCCTTCTGCATCCA[C>T]TGCTACCACAAGTTTGCCCACAAGCCACCCATCTCCTCAGCTGAGATGACCTTCCGGAGG-3'
Protein context (NP_066124.1, residues 648-668): VSVLLSAFCI[His658=]CYHKFAHKPP

ClinVar aggregate classification (germline): Benign/Likely benign. Review status: criteria provided, multiple submitters, no conflicts (2 of 4 stars). 3 submissions from 3 submitters: Benign (1); Likely benign (2). Last evaluated 2025-09-27.

Conditions:
Hereditary cancer-predisposing syndrome. Also called: Neoplastic Syndromes, Hereditary; Tumor predisposition; Hereditary Cancer Syndrome; Hereditary neoplastic syndrome. Identifiers: Orphanet 140162, MedGen C0027672, MeSH D009386, MONDO:0015356.
Multiple endocrine neoplasia, type 2 (MEN2). Identifiers: Orphanet 653, MedGen C4048306, MONDO:0019003. Disease mechanism: gain of function.
Multiple endocrine neoplasia type 2A. Also called: Multiple Endocrine Neoplasia Type 2A (MEN2A); MULTIPLE ENDOCRINE NEOPLASIA, TYPE IIA; PTC SYNDROME; SIPPLE SYNDROME; MEN 2A; MEN-2A syndrome. Identifiers: Orphanet 247698, Orphanet 653, MedGen C0025268, MeSH D018813, MONDO:0008234, OMIM 171400.

Submissions (3):

Labcorp Genetics (formerly Invitae), Labcorp
Classification: Likely benign for Multiple endocrine neoplasia, type 2. Last evaluated: 2025-09-27. Review status: criteria provided, single submitter. Criteria: Invitae Variant Classification Sherloc (09022015). Collection method: clinical testing. Allele origin: germline.

Myriad Genetics, Inc.
Classification: Benign for Multiple endocrine neoplasia type 2A. Last evaluated: 2025-02-26. Review status: criteria provided, single submitter. Criteria: Myriad Autosomal Dominant, Autosomal Recessive and X-Linked Classification Criteria (2023). Collection method: clinical testing. Allele origin: unknown.
Comment: This variant is considered benign. This variant is a silent/synonymous amino acid change and it is not expected to impact splicing.

Ambry Genetics
Classification: Likely benign for Hereditary cancer-predisposing syndrome. Last evaluated: 2019-10-17. Review status: criteria provided, single submitter. Criteria: Ambry Variant Classification Scheme 2023. Collection method: clinical testing. Allele origin: germline.